The following is an entry in ClinVar:

ClinVar aggregate classification (germline): Uncertain significance (1 of 4 stars; one submission).

Allele frequency attached by ClinVar (database versions not stated): ExAC 0.00001.

Submission:

Labcorp Genetics (formerly Invitae), Labcorp
Classification: Uncertain significance. Last evaluated: 2023-03-02. Review status: criteria provided, single submitter. Criteria: Invitae Variant Classification Sherloc (09022015). Collection method: clinical testing. Allele origin: germline.
Comment: This sequence change replaces arginine, which is basic and polar, with tryptophan, which is neutral and slightly polar, at codon 110 of the TNFRSF11A protein (p.Arg110Trp). The frequency data for this variant in the population databases is considered unreliable, as metrics indicate poor data quality at this position in the gnomAD database. This variant has not been reported in the literature in individuals affected with TNFRSF11A-related conditions. Advanced modeling of protein sequence and biophysical properties (such as structural, functional, and spatial information, amino acid conservation, physicochemical variation, residue mobility, and thermodynamic stability) performed at Invitae indicates that this missense variant is expected to disrupt TNFRSF11A protein function. In summary, the available evidence is currently insufficient to determine the role of this variant in disease. Therefore, it has been classified as a Variant of Uncertain Significance.

NM_003839.4(TNFRSF11A):c.328C>T (p.Arg110Trp)

Gene: TNFRSF11A (TNF receptor superfamily member 11a; plus strand). Cytogenetic location: 18q21.33.
Variant type: single nucleotide variant.
Coding change: c.328C>T on transcript NM_003839.4 (MANE Select); coding-DNA position 328, C replaced by T.
Protein change: p.Arg110Trp; replaces arginine 110 with tryptophan.
Molecular consequence: missense variant.
Genome position (GRCh38, 1-based): chr18:62,354,435, C>T. VCF-style: chr18-62354435-C-T. GRCh37 (hg19) VCF-style: chr18-60021668-C-T.
Other names: c.328C>T, p.Arg110Trp (NM_001270949.2, NM_001270950.2, NM_001270951.2 and 1 more transcripts); short protein forms R110W.
Identifiers: ClinVar variation 2790532 (VCV002790532.3), dbSNP rs764013372, ClinGen allele CA8983705.